The following is an entry in ClinVar:

ClinVar aggregate classification (germline): Pathogenic (1 of 4 stars; one submission).

Conditions:
Neurofibromatosis, type 1 (NF1). Also called: VON RECKLINGHAUSEN DISEASE; NEUROFIBROMATOSIS, TYPE I, SOMATIC; Peripheral type neurofibromatosis; Neurofibromatosis, type I. Identifiers: Orphanet 636, MedGen C0027831, MONDO:0018975, OMIM 162200. Disease mechanism: loss of function.

Submission:

Labcorp Genetics (formerly Invitae), Labcorp
Classification: Pathogenic for Neurofibromatosis, type 1. Last evaluated: 2025-12-09. Review status: criteria provided, single submitter. Criteria: Invitae Variant Classification Sherloc (09022015). Collection method: clinical testing. Allele origin: germline.
Comment: This sequence change creates a premature translational stop signal (p.Asn736Ilefs*13) in the NF1 gene. It is expected to result in an absent or disrupted protein product. Loss-of-function variants in NF1 are known to be pathogenic (PMID: 10712197, 23913538). This variant is not present in population databases (gnomAD no frequency). This premature translational stop signal has been observed in individual(s) with neurofibromatosis type 1 (PMID: 23913538). ClinVar contains an entry for this variant (Variation ID: 3722621). Algorithms developed to predict the effect of sequence changes on RNA splicing suggest that this variant may disrupt the consensus splice site. For these reasons, this variant has been classified as Pathogenic.

Literature cited by the submitters: PubMed 10712197; PubMed 23913538.

NM_001042492.3(NF1):c.2205_2206dup (p.Asn736fs)

Gene: NF1 (neurofibromin 1; plus strand). Cytogenetic location: 17q11.2.
Variant type: Microsatellite.
Coding change: c.2205_2206dup on transcript NM_001042492.3 (MANE Select); coding-DNA positions 2205 to 2206, 2 bases duplicated (TA; older notation c.2205_2206dupTA).
Protein change: p.Asn736fs; shifts the reading frame from asparagine 736.
Molecular consequence: frameshift variant.
Genome position (GRCh38, 1-based): chr17:31,226,638-31,226,639, TA duplicated; duplicating any 2 consecutive bases within chr17:31,226,636-31,226,639 gives the same sequence; the c. name uses the placement nearest the transcript's 3' end. VCF-style (leftmost placement, unchanged base first): chr17-31226635-C-CTA. GRCh37 (hg19) VCF-style: chr17-29553653-C-CTA.
Other names: c.2203_2204TA[3], p.Asn736Ilefs (NM_000267.4); short protein forms N736fs.
Identifiers: ClinVar variation 3722621 (VCV003722621.2).
Genomic context (GRCh38, chr17:31,226,635, plus strand): 5'-TGAGGAAGCAGATATCCGGTGTGGGGTGGATGAAGTGTCAGTGCATAACCTCTTGCCCAA[C>CTA]TATAACACATTCATGGAGTTTGCCTCTGTCAGCAATATGATGTCAACAGGTAAATGTGAA-3'